The following is an entry in ClinVar:

ClinVar aggregate classification (germline): Uncertain significance (1 of 4 stars; one submission).

Conditions:
DICER1-related tumor predisposition. Also called: DICER1-related pleuropulmonary blastoma cancer predisposition syndrome; DICER1 syndrome. Identifiers: Orphanet 284343, MedGen C3839822, MONDO:0100216.

Submission:

Labcorp Genetics (formerly Invitae), Labcorp
Classification: Uncertain significance for DICER1-related tumor predisposition. Last evaluated: 2024-08-19. Review status: criteria provided, single submitter. Criteria: Invitae Variant Classification Sherloc (09022015). Collection method: clinical testing. Allele origin: germline.
Comment: This sequence change replaces threonine, which is neutral and polar, with asparagine, which is neutral and polar, at codon 1289 of the DICER1 protein (p.Thr1289Asn). This variant is not present in population databases (gnomAD no frequency). This variant has not been reported in the literature in individuals affected with DICER1-related conditions. Invitae Evidence Modeling of protein sequence and biophysical properties (such as structural, functional, and spatial information, amino acid conservation, physicochemical variation, residue mobility, and thermodynamic stability) indicates that this missense variant is not expected to disrupt DICER1 protein function with a negative predictive value of 80%. In summary, the available evidence is currently insufficient to determine the role of this variant in disease. Therefore, it has been classified as a Variant of Uncertain Significance.

NM_177438.3(DICER1):c.3866C>A (p.Thr1289Asn)

Gene: DICER1 (dicer 1, ribonuclease III; minus strand). Cytogenetic location: 14q32.13.
Variant type: single nucleotide variant.
Coding change: c.3866C>A on transcript NM_177438.3 (MANE Select); coding-DNA position 3866, C replaced by A.
Protein change: p.Thr1289Asn; replaces threonine 1289 with asparagine.
Molecular consequence: missense variant. On other transcripts: non-coding transcript variant (6).
Genome position (GRCh38, 1-based): chr14:95,103,530, G>T on the plus strand (C>A on the coding strand, the complement: DICER1 is on the minus strand). VCF-style: chr14-95103530-G-T. GRCh37 (hg19) VCF-style: chr14-95569867-G-T.
Other names: c.3866C>A, p.Thr1289Asn (NM_001195573.1, NM_001271282.3, NM_001291628.2 and 12 more transcripts); c.3584C>A, p.Thr1195Asn (NM_001395686.1); c.3461C>A, p.Thr1154Asn (NM_001395687.1, NM_001395688.1, NM_001395689.1 and 2 more transcripts); c.3299C>A, p.Thr1100Asn (NM_001395691.1); c.2183C>A, p.Thr728Asn (NM_001395697.1); short protein forms T1195N, T1154N, T1100N, T1289N, T728N.
Identifiers: ClinVar variation 3662824 (VCV003662824.2).
Genomic context (GRCh38, chr14:95,103,530, plus strand): 5'-CCATCACTAGCGTTTGACAGAGTCAAAGCCTGAAGAATAAGTCCAGGATTGGGGCCAAGA[G>T]TCCTTGAGGAGTACCCAATAGAAGGGCTCTGCTCAGAATCCATCCTGCCCTTGAGCACTT-3'
Protein context (NP_803187.1, residues 1279-1299): QSPSIGYSSR[Thr1289Asn]LGPNPGLILQ